The following is an entry in ClinVar:

ClinVar aggregate classification (germline): Uncertain significance. Review status: criteria provided, multiple submitters, no conflicts (2 of 4 stars). 4 submissions from 4 submitters: Uncertain significance (4). Last evaluated 2025-01-15.

Conditions:
Mucopolysaccharidosis type 1. Also called: Mucopolysaccharidosis Type I; IDUA deficiency; MPS I. Identifiers: Orphanet 579, MedGen C0023786, MONDO:0001586.
Hurler syndrome. Also called: MUCOPOLYSACCHARIDOSIS TYPE IH; Severe MPS I (Hurler Syndrome); Gargoylism, Hurler Syndrome. Identifiers: Orphanet 93473, MedGen C0086795, MONDO:0011758, OMIM 607014.

Allele frequency attached by ClinVar (database versions not stated): TOPMed 0.00010; gnomAD 0.00008 and 0.00007; gnomAD exomes below 0.00001 and 0.00001; ESP Exome Variant Server 0.00015; ExAC 0.00004.
gnomAD v4.1: 15 of 1,594,668 alleles (0.00094%); highest among the groups gnomAD compares: African/African-American, 0.015%; no homozygotes.

Submissions (4):

Revvity Omics, Revvity
Classification: Uncertain significance. Last evaluated: 2025-01-15. Review status: criteria provided, single submitter. Criteria: ACMG Guidelines, 2015. Collection method: clinical testing. Allele origin: germline.

3billion
Classification: Uncertain significance for Hurler syndrome. Last evaluated: 2024-01-30. Review status: criteria provided, single submitter. Criteria: ACMG Guidelines, 2015. Collection method: clinical testing. Allele origin: germline. Affected: yes.
Comment: The variant is observed at an extremely low frequency in the gnomAD v2.1.1 dataset (total allele frequency: 0.001%). Predicted Consequence/Location: Missense variant In silico tool predictions suggest damaging effect of the variant on gene or gene product [REVEL: 0.90 (>=0.6, sensitivity 0.68 and specificity 0.92); 3Cnet: 0.97 (>=0.6, sensitivity 0.72 and precision 0.9)]. Therefore, this variant is classified as VUS according to the recommendation of ACMG/AMP guideline.

Labcorp Genetics (formerly Invitae), Labcorp
Classification: Uncertain significance for Mucopolysaccharidosis type 1. Last evaluated: 2022-04-12. Review status: criteria provided, single submitter. Criteria: Invitae Variant Classification Sherloc (09022015). Collection method: clinical testing. Allele origin: germline.
Comment: This sequence change replaces leucine, which is neutral and non-polar, with proline, which is neutral and non-polar, at codon 256 of the IDUA protein (p.Leu256Pro). The frequency data for this variant in the population databases is considered unreliable, as metrics indicate poor data quality at this position in the gnomAD database. This variant has not been reported in the literature in individuals affected with IDUA-related conditions. ClinVar contains an entry for this variant (Variation ID: 92648). Advanced modeling of protein sequence and biophysical properties (such as structural, functional, and spatial information, amino acid conservation, physicochemical variation, residue mobility, and thermodynamic stability) performed at Invitae indicates that this missense variant is expected to disrupt IDUA protein function. In summary, the available evidence is currently insufficient to determine the role of this variant in disease. Therefore, it has been classified as a Variant of Uncertain Significance.

Eurofins Ntd Llc (ga)
Classification: Uncertain significance. Last evaluated: 2012-08-31. Review status: criteria provided, single submitter. Criteria: EGL Classification Definitions 2015. Collection method: clinical testing. Allele origin: germline. Observed: 2 variant alleles, 2 heterozygotes.

NM_000203.5(IDUA):c.767T>C (p.Leu256Pro)

Gene: IDUA (alpha-L-iduronidase; plus strand). Cytogenetic location: 4p16.3.
Variant type: single nucleotide variant.
Coding change: c.767T>C on transcript NM_000203.5 (MANE Select); coding-DNA position 767, T replaced by C.
Protein change: p.Leu256Pro; replaces leucine 256 with proline.
Molecular consequence: missense variant. On other transcripts: non-coding transcript variant (1).
Genome position (GRCh38, 1-based): chr4:1,001,856, T>C. VCF-style: chr4-1001856-T-C. GRCh37 (hg19) VCF-style: chr4-995644-T-C.
Other names: c.371T>C, p.Leu124Pro (NM_001363576.1); short protein forms L256P, L124P.
Identifiers: ClinVar variation 92648 (VCV000092648.14), dbSNP rs373037758, ClinGen allele CA220513.
Genomic context (GRCh38, chr4:1,001,856, plus strand): 5'-GCCTCCTGCGCCACTGCCACGACGGTACCAACTTCTTCACTGGGGAGGCGGGCGTGCGGC[T>C]GGACTACATCTCCCTCCACAGGAAGGTGCGCCCTGCCCCTCCGTCCGCCCCGGTGTTCTG-3'
Protein context (NP_000194.2, residues 246-266): NFFTGEAGVR[Leu256Pro]DYISLHRKGA